The following is an entry in ClinVar:

ClinVar aggregate classification (germline): Uncertain significance. Review status: criteria provided, multiple submitters, no conflicts (2 of 4 stars). 2 submissions from 2 submitters: Uncertain significance (2). Last evaluated 2025-04-15.

Allele frequency attached by ClinVar (database versions not stated): gnomAD exomes 0.00002 and 0.00004; ExAC 0.00006; gnomAD 0.00013 and 0.00014; TOPMed 0.00014; 1000 Genomes Project 0.00040; 1000 Genomes Project 30x 0.00047.
gnomAD v4.1: 42 of 1,614,022 alleles (0.0026%); highest among the groups gnomAD compares: African/African-American, 0.053%; no homozygotes.

Submissions (2):

GeneDx
Classification: Uncertain significance. Last evaluated: 2025-04-15. Review status: criteria provided, single submitter. Criteria: GeneDx Variant Classification Process June 2021. Collection method: clinical testing. Allele origin: germline. Affected: yes.
Comment: In silico analysis indicates that this missense variant does not alter protein structure/function; Has not been previously published as pathogenic or benign to our knowledge

Labcorp Genetics (formerly Invitae), Labcorp
Classification: Uncertain significance. Last evaluated: 2024-11-11. Review status: criteria provided, single submitter. Criteria: Invitae Variant Classification Sherloc (09022015). Collection method: clinical testing. Allele origin: germline.
Comment: This sequence change replaces isoleucine, which is neutral and non-polar, with valine, which is neutral and non-polar, at codon 476 of the COL9A1 protein (p.Ile476Val). This variant is present in population databases (rs1135054, gnomAD 0.04%). This variant has not been reported in the literature in individuals affected with COL9A1-related conditions. ClinVar contains an entry for this variant (Variation ID: 956760). Invitae Evidence Modeling of protein sequence and biophysical properties (such as structural, functional, and spatial information, amino acid conservation, physicochemical variation, residue mobility, and thermodynamic stability) indicates that this missense variant is not expected to disrupt COL9A1 protein function with a negative predictive value of 95%. In summary, the available evidence is currently insufficient to determine the role of this variant in disease. Therefore, it has been classified as a Variant of Uncertain Significance.

NM_001851.6(COL9A1):c.1426A>G (p.Ile476Val)

Gene: COL9A1 (collagen type IX alpha 1 chain; minus strand). Cytogenetic location: 6q13.
Variant type: single nucleotide variant.
Coding change: c.1426A>G on transcript NM_001851.6 (MANE Select); coding-DNA position 1426, A replaced by G.
Protein change: p.Ile476Val; replaces isoleucine 476 with valine.
Molecular consequence: missense variant. On other transcripts: non-coding transcript variant (1).
Genome position (GRCh38, 1-based): chr6:70,260,680, T>C on the plus strand (A>G on the coding strand, the complement: COL9A1 is on the minus strand). VCF-style: chr6-70260680-T-C. GRCh37 (hg19) VCF-style: chr6-70970383-T-C.
Other names: c.697A>G, p.Ile233Val (NM_001377289.1, NM_001377290.1, NM_078485.4); short protein forms I476V, I233V.
Identifiers: ClinVar variation 956760 (VCV000956760.10), dbSNP rs1135054, ClinGen allele CA3882218.